The following is an entry in ClinVar:

ClinVar aggregate classification (germline): Uncertain significance (1 of 4 stars; one submission).

Allele frequency attached by ClinVar (database versions not stated): gnomAD exomes 0.00002 and 0.00001; TOPMed 0.00002; ExAC 0.00001.
gnomAD v4.1: 5 of 1,614,136 alleles (0.00031%); highest among the groups gnomAD compares: Admixed American, 0.0083%; no homozygotes.

Submission:

Labcorp Genetics (formerly Invitae), Labcorp
Classification: Uncertain significance. Last evaluated: 2024-08-05. Review status: criteria provided, single submitter. Criteria: Invitae Variant Classification Sherloc (09022015). Collection method: clinical testing. Allele origin: germline.
Comment: This sequence change replaces threonine, which is neutral and polar, with alanine, which is neutral and non-polar, at codon 799 of the VCAN protein (p.Thr799Ala). This variant is present in population databases (rs766727030, gnomAD 0.01%). This variant has not been reported in the literature in individuals affected with VCAN-related conditions. ClinVar contains an entry for this variant (Variation ID: 958712). An algorithm developed to predict the effect of missense changes on protein structure and function (PolyPhen-2) suggests that this variant is likely to be disruptive. In summary, the available evidence is currently insufficient to determine the role of this variant in disease. Therefore, it has been classified as a Variant of Uncertain Significance.

NM_004385.5(VCAN):c.2395A>G (p.Thr799Ala)

Gene: VCAN (versican; plus strand). Cytogenetic location: 5q14.3.
Variant type: single nucleotide variant.
Coding change: c.2395A>G on transcript NM_004385.5 (MANE Select); coding-DNA position 2395, A replaced by G.
Protein change: p.Thr799Ala; replaces threonine 799 with alanine.
Molecular consequence: missense variant. On other transcripts: intron variant (2).
Genome position (GRCh38, 1-based): chr5:83,520,701, A>G. VCF-style: chr5-83520701-A-G. GRCh37 (hg19) VCF-style: chr5-82816520-A-G.
Other names: c.2395A>G, p.Thr799Ala (NM_001164098.2); c.1042+8305A>G (NM_001164097.2, NM_001126336.3); short protein forms T799A.
Identifiers: ClinVar variation 958712 (VCV000958712.9), dbSNP rs766727030, ClinGen allele CA3332835.